The following is an entry in ClinVar:

NM_206933.4(USH2A):c.13857A>G (p.Ser4619=)

Gene: USH2A (usherin; minus strand). Cytogenetic location: 1q41.
Variant type: single nucleotide variant.
Coding change: c.13857A>G on transcript NM_206933.4 (MANE Select); coding-DNA position 13857, A replaced by G.
Protein change: p.Ser4619=; no amino-acid change (serine 4619 retained).
Molecular consequence: synonymous variant.
Genome position (GRCh38, 1-based): chr1:215,671,248, T>C on the plus strand (A>G on the coding strand, the complement: USH2A is on the minus strand). VCF-style: chr1-215671248-T-C. GRCh37 (hg19) VCF-style: chr1-215844590-T-C.
Identifiers: ClinVar variation 227143 (VCV000227143.20), dbSNP rs373694614, ClinGen allele CA1393185.

ClinVar aggregate classification (germline): Benign/Likely benign. Review status: criteria provided, multiple submitters, no conflicts (2 of 4 stars). 6 submissions from 5 submitters: Benign (2); Likely benign (4). Last evaluated 2026-02-01.

Conditions:
Retinitis pigmentosa 39 (RP39). Identifiers: Orphanet 791, MedGen C3151138, MONDO:0013436, OMIM 613809.
Usher syndrome type 2A. Also called: RETINAL DISEASE IN USHER SYNDROME TYPE IIA, MODIFIER OF; USHER SYNDROME, TYPE IIA. Identifiers: Orphanet 231178, Orphanet 886, MedGen C1848634, MONDO:0010169, OMIM 276901.

Allele frequency attached by ClinVar (database versions not stated): TOPMed 0.00004; gnomAD 0.00022 and below 0.00001; gnomAD exomes 0.00037 and 0.00073; ExAC 0.00077; 1000 Genomes Project 30x 0.00078; 1000 Genomes Project 0.00100.
gnomAD v4.1: 572 of 1,614,142 alleles (0.035%); highest among the groups gnomAD compares: South Asian, 0.6%; 4 homozygotes.

Submissions (6):

Labcorp Genetics (formerly Invitae), Labcorp
Classification: Benign. Last evaluated: 2026-02-01. Review status: criteria provided, single submitter. Criteria: Invitae Variant Classification Sherloc (09022015). Collection method: clinical testing. Allele origin: germline.

Blueprint Genetics
Classification: Likely benign. Last evaluated: 2024-11-19. Review status: criteria provided, single submitter. Criteria: ACMG Guidelines, 2015. Collection method: clinical testing. Allele origin: germline.

Genome-Nilou Lab
Classification: Likely benign for Retinitis pigmentosa 39. Last evaluated: 2023-11-04. Review status: criteria provided, single submitter. Criteria: ACMG Guidelines, 2015. Collection method: clinical testing. Allele origin: germline. Affected: no.

Genome-Nilou Lab
Classification: Likely benign for Usher syndrome type 2A. Last evaluated: 2023-11-04. Review status: criteria provided, single submitter. Criteria: ACMG Guidelines, 2015. Collection method: clinical testing. Allele origin: germline. Affected: no.

GeneDx
Classification: Likely benign. Last evaluated: 2020-11-20. Review status: criteria provided, single submitter. Criteria: GeneDx Variant Classification Process June 2021. Collection method: clinical testing. Allele origin: germline. Affected: yes.

Laboratory for Molecular Medicine, Mass General Brigham Personalized Medicine
Classification: Benign. Last evaluated: 2015-05-28. Review status: criteria provided, single submitter. Criteria: LMM Criteria. Collection method: clinical testing. Allele origin: germline. Observed: 2 variant alleles.
Comment: p.Ser4619Ser in exon 64 of USH2A: This variant is not expected to have clinical significance because it does not alter an amino acid residue, is not located wit hin the splice consensus sequence, and has been identified in 0.6% (94/16510) of South Asian chromosomes by the Exome Aggregation Consortium (ExAC.; dbSNP rs373694614).